The following is an entry in ClinVar:

ClinVar aggregate classification (germline): Pathogenic/Likely pathogenic. Review status: criteria provided, multiple submitters, no conflicts (2 of 4 stars). 2 submissions from 2 submitters: Pathogenic (1); Likely pathogenic (1). Last evaluated 2022-06-30.

Conditions:
ADGRV1-related disorder. Also called: ADGRV1-related disorders; ADGRV1-related condition.

Submissions (2):

Labcorp Genetics (formerly Invitae), Labcorp
Classification: Pathogenic. Last evaluated: 2022-06-30. Review status: criteria provided, single submitter. Criteria: Invitae Variant Classification Sherloc (09022015). Collection method: clinical testing. Allele origin: germline.
Comment: ClinVar contains an entry for this variant (Variation ID: 955026). For these reasons, this variant has been classified as Pathogenic. This variant has not been reported in the literature in individuals affected with ADGRV1-related conditions. This variant is present in population databases (no rsID available, gnomAD 0.007%). This sequence change creates a premature translational stop signal (p.Ile351Profs*14) in the ADGRV1 gene. It is expected to result in an absent or disrupted protein product. Loss-of-function variants in ADGRV1 are known to be pathogenic (PMID: 19357117, 22135276, 22147658, 26226137, 30718709, 31047384, 32467589).

Blueprint Genetics
Classification: Likely pathogenic for ADGRV1-related disorders. Last evaluated: 2019-08-22. Review status: criteria provided, single submitter. Criteria: ACMG Guidelines, 2015. Collection method: clinical testing. Allele origin: germline. Affected: yes. Observed: 1 variant allele.

Literature cited by the submitters: PubMed 19357117 (cited by Labcorp Genetics (formerly Invitae), Labcorp); PubMed 22135276 (cited by Labcorp Genetics (formerly Invitae), Labcorp); PubMed 22147658 (cited by Labcorp Genetics (formerly Invitae), Labcorp); PubMed 26226137 (cited by Labcorp Genetics (formerly Invitae), Labcorp); PubMed 30718709 (cited by Labcorp Genetics (formerly Invitae), Labcorp); PubMed 31047384 (cited by Labcorp Genetics (formerly Invitae), Labcorp); PubMed 32467589 (cited by Labcorp Genetics (formerly Invitae), Labcorp).

NM_032119.4(ADGRV1):c.1048_1049dup (p.Ile351fs)

Gene: ADGRV1 (adhesion G protein-coupled receptor V1; plus strand). Cytogenetic location: 5q14.3.
Variant type: Microsatellite.
Coding change: c.1048_1049dup on transcript NM_032119.4 (MANE Select); coding-DNA positions 1048 to 1049, 2 bases duplicated (AC; older notation c.1048_1049dupAC).
Protein change: p.Ile351fs; shifts the reading frame from isoleucine 351.
Molecular consequence: frameshift variant. On other transcripts: non-coding transcript variant (1).
Genome position (GRCh38, 1-based): chr5:90,627,586-90,627,587, AC duplicated; duplicating any 2 consecutive bases within chr5:90,627,584-90,627,587 gives the same sequence; the c. name uses the placement nearest the transcript's 3' end. VCF-style (leftmost placement, unchanged base first): chr5-90627583-G-GAC. GRCh37 (hg19) VCF-style: chr5-89923400-G-GAC.
Other names: short protein forms I351fs.
Identifiers: ClinVar variation 955026 (VCV000955026.8), dbSNP rs1313203471, ClinGen allele CA561259526.